The following is an entry in ClinVar:

ClinVar aggregate classification (germline): Benign/Likely benign. Review status: criteria provided, multiple submitters, no conflicts (2 of 4 stars). 4 submissions from 4 submitters: Benign (2); Likely benign (2). Last evaluated 2025-12-24.

Allele frequency attached by ClinVar (database versions not stated): gnomAD exomes 0.00026 and 0.00072; ExAC 0.00081; ESP Exome Variant Server 0.00200; gnomAD 0.00222 and 0.00234; 1000 Genomes Project 30x 0.00250; TOPMed 0.00250; 1000 Genomes Project 0.00300.
gnomAD v4.1: 729 of 1,614,022 alleles (0.045%); highest among the groups gnomAD compares: African/African-American, 0.78%; 1 homozygote.

Submissions (4):

Labcorp Genetics (formerly Invitae), Labcorp
Classification: Benign. Last evaluated: 2025-12-24. Review status: criteria provided, single submitter. Criteria: Invitae Variant Classification Sherloc (09022015). Collection method: clinical testing. Allele origin: germline.

Blueprint Genetics
Classification: Likely benign. Last evaluated: 2024-11-26. Review status: criteria provided, single submitter. Criteria: ACMG Guidelines, 2015. Collection method: clinical testing. Allele origin: germline.

CeGaT Center for Human Genetics Tuebingen
Classification: Likely benign. Last evaluated: 2024-07-01. Review status: criteria provided, single submitter. Criteria: CeGaT Center For Human Genetics Tuebingen Variant Classification Criteria Version 2. Collection method: clinical testing. Allele origin: germline. Affected: yes. Observed: 2 variant alleles.
Comment: EXTL3: BP4, BS2

Breakthrough Genomics
Classification: Benign. Review status: criteria provided, single submitter. Criteria: ACMG Guidelines, 2015. Collection method: not provided. Allele origin: germline. Inheritance: Autosomal recessive inheritance. Affected: yes.

NM_001440.4(EXTL3):c.2136C>T (p.Gly712=)

Gene: EXTL3 (exostosin like glycosyltransferase 3; plus strand). Cytogenetic location: 8p21.1.
Variant type: single nucleotide variant.
Coding change: c.2136C>T on transcript NM_001440.4 (MANE Select); coding-DNA position 2136, C replaced by T.
Protein change: p.Gly712=; no amino-acid change (glycine 712 retained).
Molecular consequence: synonymous variant.
Genome position (GRCh38, 1-based): chr8:28,718,195, C>T. VCF-style: chr8-28718195-C-T. GRCh37 (hg19) VCF-style: chr8-28575712-C-T.
Identifiers: ClinVar variation 716943 (VCV000716943.34), dbSNP rs151073081, ClinGen allele CA4696338.